The following is an entry in ClinVar:

ClinVar aggregate classification (germline): Likely pathogenic (1 of 4 stars; one submission).

Conditions:
Cornelia de Lange syndrome 1 (CDLS1). Also called: Brachmann de Lange syndrome; TYPUS DEGENERATIVUS AMSTELODAMENSIS; NIPBL-Related Cornelia de Lange Syndrome. Identifiers: Orphanet 199, MedGen C4551851, MONDO:0007387, OMIM 122470.

Submission:

Labcorp Genetics (formerly Invitae), Labcorp
Classification: Likely pathogenic for Cornelia de Lange syndrome 1. Last evaluated: 2020-05-22. Review status: criteria provided, single submitter. Criteria: Invitae Variant Classification Sherloc (09022015). Collection method: clinical testing. Allele origin: germline.
Comment: This variant is not present in population databases (ExAC no frequency). This sequence change replaces arginine with proline at codon 2152 of the NIPBL protein (p.Arg2152Pro). The arginine residue is moderately conserved and there is a moderate physicochemical difference between arginine and proline. This variant has been observed in individual(s) with clinical features of Cornelia de Lange syndrome (Invitae). In at least one individual the variant was observed to be de novo. In summary, the currently available evidence indicates that the variant is pathogenic, but additional data are needed to prove that conclusively. Therefore, this variant has been classified as Likely Pathogenic. Algorithms developed to predict the effect of missense changes on protein structure and function are either unavailable or do not agree on the potential impact of this missense change (SIFT: "Deleterious"; PolyPhen-2: "Probably Damaging"; Align-GVGD: "Class C0").

NM_133433.4(NIPBL):c.6455G>C (p.Arg2152Pro)

Gene: NIPBL (NIPBL cohesin loading factor; plus strand). Cytogenetic location: 5p13.2.
Variant type: single nucleotide variant.
Coding change: c.6455G>C on transcript NM_133433.4 (MANE Select); coding-DNA position 6455, G replaced by C.
Protein change: p.Arg2152Pro; replaces arginine 2152 with proline.
Molecular consequence: missense variant.
Genome position (GRCh38, 1-based): chr5:37,045,554, G>C. VCF-style: chr5-37045554-G-C. GRCh37 (hg19) VCF-style: chr5-37045656-G-C.
Other names: c.6455G>C, p.Arg2152Pro (NM_015384.5); short protein forms R2152P.
Identifiers: ClinVar variation 1067103 (VCV001067103.9), dbSNP rs781297222, ClinGen allele CA359504668.